The following is an entry in ClinVar:

NM_007078.3(LDB3):c.221A>T (p.Tyr74Phe)

Gene: LDB3 (LIM domain binding 3; plus strand). Cytogenetic location: 10q23.2.
Variant type: single nucleotide variant.
Coding change: c.221A>T on transcript NM_007078.3 (MANE Select); coding-DNA position 221, A replaced by T.
Protein change: p.Tyr74Phe; replaces tyrosine 74 with phenylalanine.
Molecular consequence: missense variant.
Genome position (GRCh38, 1-based): chr10:86,679,494, A>T. VCF-style: chr10-86679494-A-T. GRCh37 (hg19) VCF-style: chr10-88439251-A-T.
Other names: c.221A>T, p.Tyr74Phe (NM_001368063.1, NM_001171610.2, NM_001080114.2 and 8 more transcripts); short protein forms Y74F.
Identifiers: ClinVar variation 3728608 (VCV003728608.2).

ClinVar aggregate classification (germline): Uncertain significance (1 of 4 stars; one submission).

Conditions:
Myofibrillar myopathy 4. Also called: Zaspopathy (type). Identifiers: Orphanet 98912, MedGen C4721886, MONDO:0012277, OMIM 609452.

Submission:

Labcorp Genetics (formerly Invitae), Labcorp
Classification: Uncertain significance for Myofibrillar myopathy 4. Last evaluated: 2025-01-07. Review status: criteria provided, single submitter. Criteria: Invitae Variant Classification Sherloc (09022015). Collection method: clinical testing. Allele origin: germline.
Comment: This sequence change replaces tyrosine, which is neutral and polar, with phenylalanine, which is neutral and non-polar, at codon 74 of the LDB3 protein (p.Tyr74Phe). This variant is not present in population databases (gnomAD no frequency). This variant has not been reported in the literature in individuals affected with LDB3-related conditions. An algorithm developed to predict the effect of missense changes on protein structure and function (PolyPhen-2) suggests that this variant is likely to be tolerated. In summary, the available evidence is currently insufficient to determine the role of this variant in disease. Therefore, it has been classified as a Variant of Uncertain Significance.